The following is an entry in ClinVar:

ClinVar aggregate classification (germline): Conflicting classifications of pathogenicity. Review status: criteria provided, conflicting classifications (1 of 4 stars). 5 submissions from 5 submitters: Uncertain significance (1); Benign (1); Likely benign (2). 1 of the submissions does not count toward it. Last evaluated 2026-01-13.

Conditions:
EVC2-related disorder. Also called: EVC2-related condition.
Curry-Hall syndrome (WAD). Also called: WEYERS ACRODENTAL DYSOSTOSIS. Identifiers: Orphanet 952, MedGen C0457013, MONDO:0008673, OMIM 193530.
Ellis-van Creveld syndrome (EVC). Also called: Chondroectodermal dysplasia; MESOECTODERMAL DYSPLASIA. Identifiers: Orphanet 289, MedGen C0013903, MONDO:0009162, OMIM 225500.

Allele frequency attached by ClinVar (database versions not stated): gnomAD exomes 0.00033; ExAC 0.00038; gnomAD 0.00082 and 0.00090; ESP Exome Variant Server 0.00092; 1000 Genomes Project 0.00100; 1000 Genomes Project 30x 0.00109; TOPMed 0.00109.
gnomAD v4.1: 406 of 1,614,020 alleles (0.025%); highest among the groups gnomAD compares: African/African-American, 0.31%; no homozygotes.

Submissions (5):

Labcorp Genetics (formerly Invitae), Labcorp
Classification: Benign for Curry-Hall syndrome; Ellis-van Creveld syndrome. Last evaluated: 2026-01-13. Review status: criteria provided, single submitter. Criteria: Invitae Variant Classification Sherloc (09022015). Collection method: clinical testing. Allele origin: germline.

Blueprint Genetics
Classification: Likely benign. Last evaluated: 2022-09-20. Review status: criteria provided, single submitter. Criteria: ACMG Guidelines, 2015. Collection method: clinical testing. Allele origin: germline.

GeneDx
Classification: Likely benign. Last evaluated: 2019-08-01. Review status: criteria provided, single submitter. Criteria: GeneDx Variant Classification Process June 2021. Collection method: clinical testing. Allele origin: germline. Affected: yes.

Eurofins Ntd Llc (ga)
Classification: Uncertain significance. Last evaluated: 2015-01-06. Review status: criteria provided, single submitter. Criteria: EGL Classification Definitions 2015. Collection method: clinical testing. Allele origin: germline. Observed: 3 variant alleles, 3 heterozygotes.

PreventionGenetics, part of Exact Sciences
Classification: Likely benign for EVC2-related condition. Last evaluated: 2019-04-22. Review status: no assertion criteria provided. Collection method: clinical testing. Allele origin: germline. Not counted in ClinVar's aggregate classification.
Comment: This variant is classified as likely benign based on ACMG/AMP sequence variant interpretation guidelines (Richards et al. 2015 PMID: 25741868, with internal and published modifications).

NM_147127.5(EVC2):c.2244C>T (p.Thr748=)

Gene: EVC2 (EvC ciliary complex subunit 2; minus strand). Cytogenetic location: 4p16.2.
Variant type: single nucleotide variant.
Coding change: c.2244C>T on transcript NM_147127.5 (MANE Select); coding-DNA position 2244, C replaced by T.
Protein change: p.Thr748=; no amino-acid change (threonine 748 retained).
Molecular consequence: synonymous variant.
Genome position (GRCh38, 1-based): chr4:5,622,794, G>A on the plus strand (C>T on the coding strand, the complement: EVC2 is on the minus strand). VCF-style: chr4-5622794-G-A. GRCh37 (hg19) VCF-style: chr4-5624521-G-A.
Other names: c.2004C>T, p.Thr668= (NM_001166136.2).
Identifiers: ClinVar variation 194443 (VCV000194443.22), dbSNP rs146588335, ClinGen allele CA240396.